The following is an entry in ClinVar:

NM_001080414.4(CCDC88C):c.3248T>C (p.Leu1083Pro)

Gene: CCDC88C (coiled-coil domain containing 88C; minus strand). Cytogenetic location: 14q32.11.
Variant type: single nucleotide variant.
Coding change: c.3248T>C on transcript NM_001080414.4 (MANE Select); coding-DNA position 3248, T replaced by C.
Protein change: p.Leu1083Pro; replaces leucine 1083 with proline.
Molecular consequence: missense variant. On other transcripts: non-coding transcript variant (2).
Genome position (GRCh38, 1-based): chr14:91,305,874, A>G on the plus strand (T>C on the coding strand, the complement: CCDC88C is on the minus strand). VCF-style: chr14-91305874-A-G. GRCh37 (hg19) VCF-style: chr14-91772218-A-G.
Other names: short protein forms L1083P.
Identifiers: ClinVar variation 3901408 (VCV003901408.1).

ClinVar aggregate classification (germline): Uncertain significance (1 of 4 stars; one submission).

Submission:

GeneDx
Classification: Uncertain significance. Last evaluated: 2024-12-07. Review status: criteria provided, single submitter. Criteria: GeneDx Variant Classification Process June 2021. Collection method: clinical testing. Allele origin: germline. Affected: yes.
Comment: Not observed at significant frequency in large population cohorts (gnomAD); In silico analysis supports that this missense variant has a deleterious effect on protein structure/function; Has not been previously published as pathogenic or benign to our knowledge.